The following is an entry in ClinVar:

NM_001082538.3(TCTN1):c.220+258T>A

Gene: TCTN1 (tectonic family member 1; plus strand). Cytogenetic location: 12q24.11.
Variant type: single nucleotide variant.
Coding change: c.220+258T>A on transcript NM_001082538.3 (MANE Select); 258 bases into the intron after coding-DNA position 220, T replaced by A.
Molecular consequence: intron variant.
Genome position (GRCh38, 1-based): chr12:110,614,660, T>A. VCF-style: chr12-110614660-T-A. GRCh37 (hg19) VCF-style: chr12-111052465-T-A.
Other names: c.52+197T>A (NM_001173975.3, NM_001319682.3); c.-37+258T>A (NM_001173976.2); c.-488+258T>A (NM_001319681.2); c.220+258T>A (NM_024549.6, NM_001082537.3, NM_001319680.2).
Identifiers: ClinVar variation 670706 (VCV000670706.1), dbSNP rs684596, ClinGen allele CA13601829.

ClinVar aggregate classification (germline): Benign (1 of 4 stars; one submission).

Allele frequency attached by ClinVar (database versions not stated): TOPMed 0.26509; gnomAD 0.26870 and 0.27988; 1000 Genomes Project 30x 0.31574; 1000 Genomes Project 0.32208.
gnomAD v4.1: 42,583 of 152,088 alleles (28%); highest among the groups gnomAD compares: South Asian, 54%; 6,712 homozygotes.

Submission:

GeneDx
Classification: Benign. Last evaluated: 2018-06-14. Review status: criteria provided, single submitter. Criteria: GeneDx Variant Classification (06012015). Collection method: clinical testing. Allele origin: germline. Affected: yes.
Comment: This variant is considered likely benign or benign based on one or more of the following criteria: it is a conservative change, it occurs at a poorly conserved position in the protein, it is predicted to be benign by multiple in silico algorithms, and/or has population frequency not consistent with disease.